The following is an entry in ClinVar:

NM_017909.4(RMND1):c.1235_1238del (p.Leu412fs)

Gene: RMND1 (required for meiotic nuclear division 1 homolog; minus strand). Cytogenetic location: 6q25.1.
Variant type: Deletion.
Coding change: c.1235_1238del on transcript NM_017909.4 (MANE Select); coding-DNA positions 1235 to 1238, 4 bases deleted (TAAC; older notation c.1235_1238delTAAC).
Protein change: p.Leu412fs; shifts the reading frame from leucine 412.
Molecular consequence: frameshift variant.
Genome position (GRCh38, 1-based): chr6:151,405,799-151,405,802, GTTA deleted on the plus strand (TAAC on the coding strand, the reverse complement: RMND1 is on the minus strand); deleting any 4 consecutive bases within chr6:151,405,799-151,405,805 gives the same sequence; the c. name uses the placement nearest the transcript's 3' end. VCF-style (leftmost placement, unchanged base first): chr6-151405798-TGTTA-T. GRCh37 (hg19) VCF-style: chr6-151726933-TGTTA-T.
Other names: c.725_728del, p.Leu242fs (NM_001271937.2); short protein forms L242fs, L412fs.
Identifiers: ClinVar variation 1387810 (VCV001387810.8), dbSNP rs769890347, ClinGen allele CA4050740.
Genomic context (GRCh38, chr6:151,405,798, plus strand): 5'-GACAATCATCCACTCCAAGCGGAGTGCCCTCTTCTCATTCAGGTGATTCCGCATTAGATC[TGTTA>T]GTTCCATGCAGTGCTGAAGTTTTTCATTCATGACCTATGTAAGAAAAATTTCAGTAACAT-3'

ClinVar aggregate classification (germline): Pathogenic/Likely pathogenic. Review status: criteria provided, multiple submitters, no conflicts (2 of 4 stars). 2 submissions from 2 submitters: Pathogenic (1); Likely pathogenic (1). Last evaluated 2024-05-23.

Conditions:
Combined oxidative phosphorylation defect type 11. Also called: ENCEPHALONEUROMYOPATHY, INFANTILE, DUE TO MITOCHONDRIAL TRANSLATION DEFECT; Combined oxidative phosphorylation deficiency 11. Identifiers: Orphanet 324535, MedGen C5190991, MONDO:0013969, OMIM 614922.

Submissions (2):

Fulgent Genetics
Classification: Likely pathogenic for Combined oxidative phosphorylation defect type 11. Last evaluated: 2024-05-23. Review status: criteria provided, single submitter. Criteria: ACMG Guidelines, 2015. Collection method: clinical testing. Allele origin: germline.

Labcorp Genetics (formerly Invitae), Labcorp
Classification: Pathogenic. Last evaluated: 2021-12-03. Review status: criteria provided, single submitter. Criteria: Invitae Variant Classification Sherloc (09022015). Collection method: clinical testing. Allele origin: germline.
Comment: This sequence change creates a premature translational stop signal (p.Leu412Glnfs*3) in the RMND1 gene. It is expected to result in an absent or disrupted protein product. Loss-of-function variants in RMND1 are known to be pathogenic (PMID: 27412952). This variant is present in population databases (rs769890347, gnomAD 0.003%). This variant has not been reported in the literature in individuals affected with RMND1-related conditions. For these reasons, this variant has been classified as Pathogenic.

Literature cited by the submitters: PubMed 27412952 (cited by Labcorp Genetics (formerly Invitae), Labcorp).